The following is an entry in ClinVar:

ClinVar aggregate classification (germline): Uncertain significance (1 of 4 stars; one submission).

Submission:

GeneDx
Classification: Uncertain significance. Last evaluated: 2025-12-21. Review status: criteria provided, single submitter. Criteria: GeneDx Variant Classification Process June 2021. Collection method: clinical testing. Allele origin: germline. Affected: yes.
Comment: Not observed at significant frequency in large population cohorts (gnomAD); In silico analysis supports that this missense variant has a deleterious effect on protein structure/function; Has not been previously published as pathogenic or benign to our knowledge

NM_014927.5(CNKSR2):c.35C>T (p.Ser12Phe)

Gene: CNKSR2 (connector enhancer of kinase suppressor of Ras 2; plus strand). Cytogenetic location: Xp22.12.
Variant type: single nucleotide variant.
Coding change: c.35C>T on transcript NM_014927.5 (MANE Select); coding-DNA position 35, C replaced by T.
Protein change: p.Ser12Phe; replaces serine 12 with phenylalanine.
Molecular consequence: missense variant.
Genome position (GRCh38, 1-based): chrX:21,374,932, C>T. VCF-style: chrX-21374932-C-T. GRCh37 (hg19) VCF-style: chrX-21393050-C-T.
Other names: c.35C>T, p.Ser12Phe (NM_001168647.3, NM_001168648.3, NM_001168649.3 and 4 more transcripts); short protein forms S12F.
Identifiers: ClinVar variation 3393732 (VCV003393732.2).